The following is an entry in ClinVar:

NM_001267550.2(TTN):c.84625A>G (p.Ile28209Val)

Genes: TTN (titin; minus strand), TTN-AS1 (TTN antisense RNA 1; plus strand). Cytogenetic location: 2q31.2.
Variant type: single nucleotide variant.
Coding change: c.84625A>G on transcript NM_001267550.2 (MANE Select); coding-DNA position 84625, A replaced by G.
Protein change: p.Ile28209Val; replaces isoleucine 28209 with valine.
Molecular consequence: missense variant.
Genome position (GRCh38, 1-based): chr2:178,561,507, T>C on the plus strand (A>G on the coding strand, the complement: TTN is on the minus strand). VCF-style: chr2-178561507-T-C. GRCh37 (hg19) VCF-style: chr2-179426234-T-C.
Other names: c.76921A>G, p.Ile25641Val (NM_133378.4); c.79702A>G, p.Ile26568Val (NM_001256850.1); c.57430A>G, p.Ile19144Val (NM_003319.4); c.57805A>G, p.Ile19269Val (NM_133432.3); c.58006A>G, p.Ile19336Val (NM_133437.4); short protein forms I25641V, I28209V, I26568V, I19144V, I19269V, I19336V.
Identifiers: ClinVar variation 505799 (VCV000505799.8), dbSNP rs753472730, ClinGen allele CA1988760.
Genomic context (GRCh38, chr2:178,561,507, plus strand): 5'-CACGATACTCATACATCAGTCCTTCATCAAGGCCGGAGACTTTCATTTGAGTATCAGCAA[T>C]GAGGATTTTATTTGCTTTTGACCAAAGAATGCTGCTTCTTTCTTTATACTCAAGATGATA-3'
Protein context (NP_001254479.2, residues 28199-28219): ILWSKANKIL[Ile28209Val]ADTQMKVSGL

ClinVar aggregate classification (germline): Uncertain significance. Review status: criteria provided, multiple submitters, no conflicts (2 of 4 stars). 2 submissions from 2 submitters: Uncertain significance (2). Last evaluated 2023-05-29.

Allele frequency attached by ClinVar (database versions not stated): TOPMed 0.00002.
gnomAD v4.1: 9 of 1,613,478 alleles (0.00056%); highest among the groups gnomAD compares: East Asian, 0.0067%; no homozygotes.

Submissions (2):

Revvity Omics, Revvity
Classification: Uncertain significance. Last evaluated: 2023-05-29. Review status: criteria provided, single submitter. Criteria: ACMG Guidelines, 2015. Collection method: clinical testing. Allele origin: germline.

Laboratory for Molecular Medicine, Mass General Brigham Personalized Medicine
Classification: Uncertain significance. Last evaluated: 2017-05-02. Review status: criteria provided, single submitter. Criteria: LMM Criteria. Collection method: clinical testing. Allele origin: germline. Observed: 1 variant allele.
Comment: The p.Ile25641Val variant in TTN has not been previously reported in individuals with cardiomyopathy, but has been identified in 2/17174 of East Asian chromosom es by the Genome Aggregation Database (gnomAD ; dbSNP rs753472730). Computational prediction tools and conservation analysis d o not provide strong support for or against an impact to the protein. In summary , the clinical significance of the p.Ile25641Val variant is uncertain.